The following is an entry in ClinVar:

ClinVar aggregate classification (germline): Uncertain significance (1 of 4 stars; one submission).

Submission:

Labcorp Genetics (formerly Invitae), Labcorp
Classification: Uncertain significance. Last evaluated: 2022-09-24. Review status: criteria provided, single submitter. Criteria: Invitae Variant Classification Sherloc (09022015). Collection method: clinical testing. Allele origin: germline.
Comment: A gross deletion of the genomic region encompassing the full coding sequence of the RP1L1 gene has been identified. The current clinical and genetic evidence is not sufficient to establish whether loss-of-function variants in RP1L1 cause disease. The boundaries of this event are unknown as they extend beyond the assayed region for this gene and therefore may encompass additional genes. This variant has not been reported in the literature in individuals affected with RP1L1-related conditions. In summary, the available evidence is currently insufficient to determine the role of this variant in disease. Therefore, it has been classified as a Variant of Uncertain Significance.

NC_000008.10:g.(?_10464405)_(10480711_?)del

Gene: RP1L1 (RP1 like 1). Cytogenetic location: 8p23.1.
Variant type: Deletion.
Identifiers: ClinVar variation 2427575 (VCV002427575.1).